The following is an entry in ClinVar:

NM_001206927.2(DNAH8):c.8238G>C (p.Val2746=)

Gene: DNAH8 (dynein axonemal heavy chain 8; plus strand). Cytogenetic location: 6p21.2.
Variant type: single nucleotide variant.
Coding change: c.8238G>C on transcript NM_001206927.2 (MANE Select); coding-DNA position 8238, G replaced by C.
Protein change: p.Val2746=; no amino-acid change (valine 2746 retained).
Molecular consequence: synonymous variant.
Genome position (GRCh38, 1-based): chr6:38,883,977, G>C. VCF-style: chr6-38883977-G-C. GRCh37 (hg19) VCF-style: chr6-38851753-G-C.
Other names: c.7587G>C, p.Val2529= (NM_001371.4).
Identifiers: ClinVar variation 525461 (VCV000525461.36), dbSNP rs147418086, ClinGen allele CA3790131.

ClinVar aggregate classification (germline): Likely benign. Review status: criteria provided, multiple submitters, no conflicts (2 of 4 stars). 3 submissions from 3 submitters: Likely benign (2). 1 of the submissions does not count toward it. Last evaluated 2026-01-14.

Conditions:
DNAH8-related disorder. Also called: DNAH8-related condition.
Primary ciliary dyskinesia. Also called: Ciliary dyskinesia. Identifiers: Orphanet 244, MedGen C0008780, MONDO:0016575, HP:0012265.

Allele frequency attached by ClinVar (database versions not stated): 1000 Genomes Project 30x 0.00031; gnomAD 0.00038 and 0.00039; 1000 Genomes Project 0.00040; TOPMed 0.00040; ESP Exome Variant Server 0.00062.
gnomAD v4.1: 829 of 1,571,668 alleles (0.053%); highest among the groups gnomAD compares: Non-Finnish European, 0.068%; no homozygotes.

Submissions (3):

Labcorp Genetics (formerly Invitae), Labcorp
Classification: Likely benign for Primary ciliary dyskinesia. Last evaluated: 2026-01-14. Review status: criteria provided, single submitter. Criteria: Invitae Variant Classification Sherloc (09022015). Collection method: clinical testing. Allele origin: germline.

CeGaT Center for Human Genetics Tuebingen
Classification: Likely benign. Last evaluated: 2022-03-01. Review status: criteria provided, single submitter. Criteria: CeGaT Center For Human Genetics Tuebingen Variant Classification Criteria Version 2. Collection method: clinical testing. Allele origin: germline. Affected: yes. Observed: 1 variant allele.
Comment: DNAH8: BP4, BP7

PreventionGenetics, part of Exact Sciences
Classification: Likely benign for DNAH8-related condition. Last evaluated: 2020-01-14. Review status: no assertion criteria provided. Collection method: clinical testing. Allele origin: germline. Not counted in ClinVar's aggregate classification.
Comment: This variant is classified as likely benign based on ACMG/AMP sequence variant interpretation guidelines (Richards et al. 2015 PMID: 25741868, with internal and published modifications).